The following is an entry in ClinVar:

NM_024675.4(PALB2):c.1915G>C (p.Glu639Gln)

Gene: PALB2 (partner and localizer of BRCA2; minus strand). Cytogenetic location: 16p12.2.
Variant type: single nucleotide variant.
Coding change: c.1915G>C on transcript NM_024675.4 (MANE Select); coding-DNA position 1915, G replaced by C.
Protein change: p.Glu639Gln; replaces glutamic acid 639 with glutamine.
Molecular consequence: missense variant.
Genome position (GRCh38, 1-based): chr16:23,630,239, C>G on the plus strand (G>C on the coding strand, the complement: PALB2 is on the minus strand). VCF-style: chr16-23630239-C-G. GRCh37 (hg19) VCF-style: chr16-23641560-C-G.
Other names: c.1915G>C (NM_024675.3); short protein forms E639Q.
Identifiers: ClinVar variation 1018633 (VCV001018633.11), dbSNP rs1555460592, ClinGen allele CA395127531.

ClinVar aggregate classification (germline): Uncertain significance. Review status: criteria provided, multiple submitters, no conflicts (2 of 4 stars). 2 submissions from 2 submitters: Uncertain significance (2). Last evaluated 2022-12-27.

Conditions:
Hereditary cancer-predisposing syndrome. Also called: Tumor predisposition; Neoplastic Syndromes, Hereditary; Hereditary neoplastic syndrome; Hereditary Cancer Syndrome. Identifiers: Orphanet 140162, MedGen C0027672, MeSH D009386, MONDO:0015356.
Familial cancer of breast. Also called: Hereditary breast cancer; BREAST CANCER, FAMILIAL; hereditary breast carcinoma. Identifiers: Orphanet 227535, MedGen C0346153, MONDO:0016419, OMIM 114480. Disease mechanism: loss of function.

Submissions (2):

Ambry Genetics
Classification: Uncertain significance for Hereditary cancer-predisposing syndrome. Last evaluated: 2022-12-27. Review status: criteria provided, single submitter. Criteria: Ambry Variant Classification Scheme 2023. Collection method: clinical testing. Allele origin: germline.
Comment: The p.E639Q variant (also known as c.1915G>C), located in coding exon 5 of the PALB2 gene, results from a G to C substitution at nucleotide position 1915. The glutamic acid at codon 639 is replaced by glutamine, an amino acid with highly similar properties. This amino acid position is conserved. In addition, this alteration is predicted to be tolerated by in silico analysis. Since supporting evidence is limited at this time, the clinical significance of this alteration remains unclear.

Labcorp Genetics (formerly Invitae), Labcorp
Classification: Uncertain significance for Familial cancer of breast. Last evaluated: 2020-10-23. Review status: criteria provided, single submitter. Criteria: Invitae Variant Classification Sherloc (09022015). Collection method: clinical testing. Allele origin: germline.
Comment: In summary, the available evidence is currently insufficient to determine the role of this variant in disease. Therefore, it has been classified as a Variant of Uncertain Significance. Algorithms developed to predict the effect of missense changes on protein structure and function output the following: SIFT: "Tolerated"; PolyPhen-2: "Benign"; Align-GVGD: "Class C0". The glutamine amino acid residue is found in multiple mammalian species, suggesting that this missense change does not adversely affect protein function. These predictions have not been confirmed by published functional studies and their clinical significance is uncertain. This variant has not been reported in the literature in individuals with PALB2-related conditions. This variant is not present in population databases (ExAC no frequency). This sequence change replaces glutamic acid with glutamine at codon 639 of the PALB2 protein (p.Glu639Gln). The glutamic acid residue is weakly conserved and there is a small physicochemical difference between glutamic acid and glutamine.